The following is an entry in ClinVar:

NM_005502.4(ABCA1):c.5002G>A (p.Val1668Ile)

Gene: ABCA1 (ATP binding cassette subfamily A member 1; minus strand). Cytogenetic location: 9q31.1.
Variant type: single nucleotide variant.
Coding change: c.5002G>A on transcript NM_005502.4 (MANE Select); coding-DNA position 5002, G replaced by A.
Protein change: p.Val1668Ile; replaces valine 1668 with isoleucine.
Molecular consequence: missense variant.
Genome position (GRCh38, 1-based): chr9:104,798,540, C>T on the plus strand (G>A on the coding strand, the complement: ABCA1 is on the minus strand). VCF-style: chr9-104798540-C-T. GRCh37 (hg19) VCF-style: chr9-107560821-C-T.
Other names: short protein forms V1668I.
Identifiers: ClinVar variation 1307314 (VCV001307314.5), dbSNP rs767589350, ClinGen allele CA5167960.

ClinVar aggregate classification (germline): Uncertain significance. Review status: criteria provided, multiple submitters, no conflicts (2 of 4 stars). 3 submissions from 3 submitters: Uncertain significance (3). Last evaluated 2025-05-27.

Conditions:
Cardiovascular phenotype. Identifiers: MedGen CN230736.

Allele frequency attached by ClinVar (database versions not stated): gnomAD 0.00001 and 0.00002; TOPMed 0.00002; ExAC 0.00004; gnomAD exomes 0.00004.
gnomAD v4.1: 26 of 1,613,972 alleles (0.0016%); highest among the groups gnomAD compares: East Asian, 0.033%; no homozygotes.

Submissions (3):

Ambry Genetics
Classification: Uncertain significance for Cardiovascular phenotype. Last evaluated: 2025-05-27. Review status: criteria provided, single submitter. Criteria: Ambry Variant Classification Scheme 2023. Collection method: clinical testing. Allele origin: germline.

Labcorp Genetics (formerly Invitae), Labcorp
Classification: Uncertain significance. Last evaluated: 2024-02-01. Review status: criteria provided, single submitter. Criteria: Invitae Variant Classification Sherloc (09022015). Collection method: clinical testing. Allele origin: germline.
Comment: This sequence change replaces valine, which is neutral and non-polar, with isoleucine, which is neutral and non-polar, at codon 1668 of the ABCA1 protein (p.Val1668Ile). This variant is present in population databases (rs767589350, gnomAD 0.06%). This variant has not been reported in the literature in individuals affected with ABCA1-related conditions. ClinVar contains an entry for this variant (Variation ID: 1307314). Advanced modeling of protein sequence and biophysical properties (such as structural, functional, and spatial information, amino acid conservation, physicochemical variation, residue mobility, and thermodynamic stability) performed at Invitae indicates that this missense variant is not expected to disrupt ABCA1 protein function with a negative predictive value of 80%. In summary, the available evidence is currently insufficient to determine the role of this variant in disease. Therefore, it has been classified as a Variant of Uncertain Significance.

GeneDx
Classification: Uncertain significance. Last evaluated: 2019-07-23. Review status: criteria provided, single submitter. Criteria: GeneDx Variant Classification Process June 2021. Collection method: clinical testing. Allele origin: germline. Affected: yes.
Comment: Identified in one child with sitosterolemia who also harbored a second variant in the ABCA1 gene, both inherited from the asymptomatic father, and a homozygous ABCG5 variant (Huang et al., 2019); In silico analysis, which includes protein predictors and evolutionary conservation, supports that this variant does not alter protein structure/function; This variant is associated with the following publications: (PMID: 30985648)

Literature cited by the submitters: PubMed 30985648 (cited by Ambry Genetics).